The following is an entry in ClinVar:

NM_002834.5(PTPN11):c.1004A>C (p.Gln335Pro)

Gene: PTPN11 (protein tyrosine phosphatase non-receptor type 11; plus strand). Cytogenetic location: 12q24.13.
Variant type: single nucleotide variant.
Coding change: c.1004A>C on transcript NM_002834.5 (MANE Select); coding-DNA position 1004, A replaced by C.
Protein change: p.Gln335Pro; replaces glutamine 335 with proline.
Molecular consequence: missense variant.
Genome position (GRCh38, 1-based): chr12:112,477,927, A>C. VCF-style: chr12-112477927-A-C. GRCh37 (hg19) VCF-style: chr12-112915731-A-C.
Other names: c.1004A>C, p.Gln335Pro (NM_001330437.2, NM_080601.3); c.1001A>C, p.Gln334Pro (NM_001374625.1); short protein forms Q335P, Q334P.
Identifiers: ClinVar variation 280410 (VCV000280410.13), dbSNP rs886041622, ClinGen allele CA10603230.

ClinVar aggregate classification (germline): Uncertain significance. Review status: criteria provided, multiple submitters, no conflicts (2 of 4 stars). 3 submissions from 3 submitters: Uncertain significance (3). Last evaluated 2025-06-09.

Conditions:
Cardiovascular phenotype. Identifiers: MedGen CN230736.
RASopathy. Also called: rasopathies; Noonan spectrum disorder. Identifiers: Orphanet 536391, MedGen C5555857, MONDO:0021060.

Allele frequency attached by ClinVar (database versions not stated): gnomAD 0.00001; gnomAD exomes 0.00001.
gnomAD v4.1: 5 of 1,614,116 alleles (0.00031%); highest among the groups gnomAD compares: Non-Finnish European, 0.00042%; no homozygotes.

Submissions (3):

Ambry Genetics
Classification: Uncertain significance for Cardiovascular phenotype. Last evaluated: 2025-06-09. Review status: criteria provided, single submitter. Criteria: Ambry Variant Classification Scheme 2023. Collection method: clinical testing. Allele origin: germline.
Comment: The p.Q335P variant (also known as c.1004A>C), located in coding exon 9 of the PTPN11 gene, results from an A to C substitution at nucleotide position 1004. The glutamine at codon 335 is replaced by proline, an amino acid with similar properties. This amino acid position is conserved. In addition, this alteration is predicted to be deleterious by in silico analysis. Since supporting evidence is limited at this time, the clinical significance of this alteration remains unclear.

Labcorp Genetics (formerly Invitae), Labcorp
Classification: Uncertain significance for RASopathy. Last evaluated: 2023-07-15. Review status: criteria provided, single submitter. Criteria: Invitae Variant Classification Sherloc (09022015). Collection method: clinical testing. Allele origin: germline.
Comment: This variant has not been reported in the literature in individuals affected with PTPN11-related conditions. This sequence change replaces glutamine, which is neutral and polar, with proline, which is neutral and non-polar, at codon 335 of the PTPN11 protein (p.Gln335Pro). This variant is not present in population databases (gnomAD no frequency). ClinVar contains an entry for this variant (Variation ID: 280410). Advanced modeling of protein sequence and biophysical properties (such as structural, functional, and spatial information, amino acid conservation, physicochemical variation, residue mobility, and thermodynamic stability) performed at Invitae indicates that this missense variant is expected to disrupt PTPN11 protein function. In summary, the available evidence is currently insufficient to determine the role of this variant in disease. Therefore, it has been classified as a Variant of Uncertain Significance.

GeneDx
Classification: Uncertain significance. Last evaluated: 2017-02-07. Review status: criteria provided, single submitter. Criteria: GeneDx Variant Classification (06012015). Collection method: clinical testing. Allele origin: germline. Affected: yes.
Comment: The Q335P variant in the PTPN11 gene has not been reported previously as a pathogenic variant, nor as a benign variant, to our knowledge. This variant was not observed in approximately 6500 individuals of European and African American ancestry in the NHLBI Exome Sequencing Project, indicating it is not a common benign variant in these populations. The Q335P variant is a non-conservative amino acid substitution, which is likely to impact secondary protein structure as these residues differ in polarity, charge, size and/or other properties. This substitution occurs at a position that is conserved across species. In silico analysis is inconsistent in its predictions as to whether or not the variant is damaging to the protein structure/function. We interpret Q335P as a variant of uncertain significance